The following is an entry in ClinVar:

ClinVar aggregate classification (germline): Uncertain significance (1 of 4 stars; one submission).

Allele frequency attached by ClinVar (database versions not stated): gnomAD exomes 0.00001.
gnomAD v4.1: 6 of 1,597,590 alleles (0.00038%); highest among the groups gnomAD compares: Non-Finnish European, 0.00043%; no homozygotes.

Submission:

Labcorp Genetics (formerly Invitae), Labcorp
Classification: Uncertain significance. Last evaluated: 2021-10-06. Review status: criteria provided, single submitter. Criteria: Invitae Variant Classification Sherloc (09022015). Collection method: clinical testing. Allele origin: germline.
Comment: This sequence change replaces cysteine with arginine at codon 344 of the ALPK3 protein (p.Cys344Arg). The cysteine residue is moderately conserved and there is a large physicochemical difference between cysteine and arginine. In summary, the available evidence is currently insufficient to determine the role of this variant in disease. Therefore, it has been classified as a Variant of Uncertain Significance. Algorithms developed to predict the effect of missense changes on protein structure and function are either unavailable or do not agree on the potential impact of this missense change (SIFT: "Deleterious"; PolyPhen-2: "Probably Damaging"; Align-GVGD: "Class C0"). This variant has not been reported in the literature in individuals affected with ALPK3-related conditions. This variant is not present in population databases (ExAC no frequency).

NM_020778.5(ALPK3):c.424T>C (p.Cys142Arg)

Gene: ALPK3 (alpha kinase 3; plus strand). Cytogenetic location: 15q25.3.
Variant type: single nucleotide variant.
Coding change: c.424T>C on transcript NM_020778.5 (MANE Select); coding-DNA position 424, T replaced by C.
Protein change: p.Cys142Arg; replaces cysteine 142 with arginine.
Molecular consequence: missense variant.
Genome position (GRCh38, 1-based): chr15:84,839,703, T>C. VCF-style: chr15-84839703-T-C. GRCh37 (hg19) VCF-style: chr15-85382934-T-C.
Other names: short protein forms C142R.
Identifiers: ClinVar variation 1509186 (VCV001509186.6), dbSNP rs2141556124, ClinGen allele CA393372440.